The following is an entry in ClinVar:

NM_000620.5(NOS1):c.2706C>T (p.His902=)

Gene: NOS1 (nitric oxide synthase 1; minus strand). Cytogenetic location: 12q24.22.
Variant type: single nucleotide variant.
Coding change: c.2706C>T on transcript NM_000620.5 (MANE Select); coding-DNA position 2706, C replaced by T.
Protein change: p.His902=; no amino-acid change (histidine 902 retained).
Molecular consequence: synonymous variant.
Genome position (GRCh38, 1-based): chr12:117,247,465, G>A on the plus strand (C>T on the coding strand, the complement: NOS1 is on the minus strand). VCF-style: chr12-117247465-G-A. GRCh37 (hg19) VCF-style: chr12-117685270-G-A.
Other names: c.1698C>T, p.His566= (NM_001204213.2, NM_001204214.2); c.2808C>T, p.His936= (NM_001204218.2).
Identifiers: ClinVar variation 3060800 (VCV003060800.2), dbSNP rs1047735, ClinGen allele CA6814704.
Genomic context (GRCh38, chr12:117,247,465, plus strand): 5'-CCCTTCCCTCATCTTCAGGATCCTCTCCCCTCCCAGTTCTTCCAGGAGGGTGTCCACAGC[G>A]TGTCCGAAGGCGCAAAAGTGAGGGTATGCTCGTGAGCCGAGGCCAAAAACTGAGAACCTG-3'
Protein context (NP_000611.1, residues 892-912): RAYPHFCAFG[His902=]AVDTLLEELG

ClinVar aggregate classification (germline): Benign (0 of 4 stars; one submission).

Conditions:
NOS1-related disorder. Also called: NOS1-related condition.

Allele frequency attached by ClinVar (database versions not stated): ESP Exome Variant Server 0.26117; gnomAD 0.29514; TOPMed 0.31120; gnomAD exomes 0.31259; ExAC 0.33646; 1000 Genomes Project 30x 0.34338; 1000 Genomes Project 0.34645.
gnomAD v4.1: 502,332 of 1,611,784 alleles (31%); highest among the groups gnomAD compares: Admixed American, 56%; 82,302 homozygotes.

Submission:

PreventionGenetics, part of Exact Sciences
Classification: Benign for NOS1-related condition. Last evaluated: 2019-10-18. Review status: no assertion criteria provided. Collection method: clinical testing. Allele origin: germline.
Comment: This variant is classified as benign based on ACMG/AMP sequence variant interpretation guidelines (Richards et al. 2015 PMID: 25741868, with internal and published modifications).